The following is an entry in ClinVar:

NM_138701.4(MPLKIP):c.502C>T (p.Gln168Ter)

Gene: MPLKIP (M-phase specific PLK1 interacting protein; minus strand). Cytogenetic location: 7p14.1.
Variant type: single nucleotide variant.
Coding change: c.502C>T on transcript NM_138701.4 (MANE Select); coding-DNA position 502, C replaced by T.
Protein change: p.Gln168Ter; replaces glutamine 168 with a stop codon.
Molecular consequence: nonsense.
Genome position (GRCh38, 1-based): chr7:40,133,097, G>A on the plus strand (C>T on the coding strand, the complement: MPLKIP is on the minus strand). VCF-style: chr7-40133097-G-A. GRCh37 (hg19) VCF-style: chr7-40172696-G-A.
Other names: short protein forms Q168*.
Identifiers: ClinVar variation 2097092 (VCV002097092.2), dbSNP rs2484133233, ClinGen allele CA367307537.

ClinVar aggregate classification (germline): Uncertain significance (1 of 4 stars; one submission).

Submission:

Labcorp Genetics (formerly Invitae), Labcorp
Classification: Uncertain significance. Last evaluated: 2022-02-12. Review status: criteria provided, single submitter. Criteria: Invitae Variant Classification Sherloc (09022015). Collection method: clinical testing. Allele origin: germline.
Comment: This variant is not present in population databases (gnomAD no frequency). In summary, the available evidence is currently insufficient to determine the role of this variant in disease. Therefore, it has been classified as a Variant of Uncertain Significance. Experimental studies and prediction algorithms are not available or were not evaluated, and the functional significance of this variant is currently unknown. This variant has not been reported in the literature in individuals affected with MPLKIP-related conditions. This sequence change creates a premature translational stop signal (p.Gln168*) in the MPLKIP gene. While this is not anticipated to result in nonsense mediated decay, it is expected to disrupt the last 12 amino acid(s) of the MPLKIP protein.